The following is an entry in ClinVar:

NM_007215.4(POLG2):c.625G>T (p.Ala209Ser)

Genes: POLG2 (DNA polymerase gamma 2, accessory subunit; minus strand), MILR1 (mast cell immunoglobulin like receptor 1; plus strand). Cytogenetic location: 17q23.3.
Variant type: single nucleotide variant.
Coding change: c.625G>T on transcript NM_007215.4 (MANE Select); coding-DNA position 625, G replaced by T.
Protein change: p.Ala209Ser; replaces alanine 209 with serine.
Molecular consequence: missense variant.
Genome position (GRCh38, 1-based): chr17:64,492,959, C>A on the plus strand (G>T on the coding strand, the complement: POLG2 is on the minus strand). VCF-style: chr17-64492959-C-A. GRCh37 (hg19) VCF-style: chr17-62489076-C-A.
Other names: short protein forms A209S.
Identifiers: ClinVar variation 1315857 (VCV001315857.10), dbSNP rs375795244, ClinGen allele CA8712964.
Genomic context (GRCh38, chr17:64,492,959, plus strand): 5'-TAACACCATTTCGTATCTGCTTAGTGTCAAAAACAGGATGAAAACACACTCCAATCTGAG[C>A]AAGGCCATAAGGTAGCCTCTTGTTTACCAGATCCAGGCAATTAACATAGTGTTCCAAGGC-3'
Protein context (NP_009146.2, residues 199-219): LVNKRLPYGL[Ala209Ser]QIGVCFHPVF

ClinVar aggregate classification (germline): Uncertain significance. Review status: criteria provided, multiple submitters, no conflicts (2 of 4 stars). 3 submissions from 3 submitters: Uncertain significance (3). Last evaluated 2025-10-30.

Allele frequency attached by ClinVar (database versions not stated): gnomAD exomes below 0.00001 and 0.00001; ExAC 0.00001; gnomAD 0.00001; ESP Exome Variant Server 0.00008.
gnomAD v4.1: 9 of 1,613,876 alleles (0.00056%); highest among the groups gnomAD compares: Non-Finnish European, 0.00076%; no homozygotes.

Submissions (3):

Ambry Genetics
Classification: Uncertain significance. Last evaluated: 2025-10-30. Review status: criteria provided, single submitter. Criteria: Ambry Variant Classification Scheme 2023. Collection method: clinical testing. Allele origin: germline.

Labcorp Genetics (formerly Invitae), Labcorp
Classification: Uncertain significance. Last evaluated: 2024-11-03. Review status: criteria provided, single submitter. Criteria: Invitae Variant Classification Sherloc (09022015). Collection method: clinical testing. Allele origin: germline.
Comment: This sequence change replaces alanine, which is neutral and non-polar, with serine, which is neutral and polar, at codon 209 of the POLG2 protein (p.Ala209Ser). This variant is present in population databases (rs375795244, gnomAD 0.0009%). This variant has not been reported in the literature in individuals affected with POLG2-related conditions. ClinVar contains an entry for this variant (Variation ID: 1315857). An algorithm developed to predict the effect of missense changes on protein structure and function (PolyPhen-2) suggests that this variant is likely to be disruptive. In summary, the available evidence is currently insufficient to determine the role of this variant in disease. Therefore, it has been classified as a Variant of Uncertain Significance.

GeneDx
Classification: Uncertain significance. Last evaluated: 2019-10-30. Review status: criteria provided, single submitter. Criteria: GeneDx Variant Classification Process June 2021. Collection method: clinical testing. Allele origin: germline. Affected: yes.
Comment: Not observed at a significant frequency in large population cohorts (Lek et al., 2016); In silico analysis, which includes protein predictors and evolutionary conservation, supports a deleterious effect; Has not been previously published as pathogenic or benign to our knowledge